The following is an entry in ClinVar:

NM_005476.7(GNE):c.1770C>A (p.Tyr590Ter)

Gene: GNE (glucosamine (UDP-N-acetyl)-2-epimerase/N-acetylmannosamine kinase; minus strand). Cytogenetic location: 9p13.3.
Variant type: single nucleotide variant.
Coding change: c.1770C>A on transcript NM_005476.7 (MANE Select); coding-DNA position 1770, C replaced by A.
Protein change: p.Tyr590Ter; replaces tyrosine 590 with a stop codon.
Molecular consequence: nonsense.
Genome position (GRCh38, 1-based): chr9:36,219,884, G>T on the plus strand (C>A on the coding strand, the complement: GNE is on the minus strand). VCF-style: chr9-36219884-G-T. GRCh37 (hg19) VCF-style: chr9-36219881-G-T.
Other names: c.1863C>A, p.Tyr621Ter (NM_001128227.3); c.1548C>A, p.Tyr516Ter (NM_001190383.3); c.1440C>A, p.Tyr480Ter (NM_001190384.3); c.1593C>A, p.Tyr531Ter (NM_001190388.2, NM_001374798.1); c.1617C>A, p.Tyr539Ter (NM_001374797.1); short protein forms Y621*, Y590*, Y516*, Y480*, Y539*, Y531*.
Identifiers: ClinVar variation 489077 (VCV000489077.6), dbSNP rs111302956, ClinGen allele CA373425565.

ClinVar aggregate classification (germline): Pathogenic. Review status: criteria provided, multiple submitters, no conflicts (2 of 4 stars). 2 submissions from 2 submitters: Pathogenic (2). Last evaluated 2022-10-03.

Conditions:
Sialuria. Also called: SIALURIA, FRENCH TYPE; Sialic Acid Storage Disease. Identifiers: Orphanet 3166, MedGen C0342853, MONDO:0010028, OMIM 269921.
GNE myopathy (NM). Also called: INCLUSION BODY MYOPATHY, HEREDITARY, AUTOSOMAL RECESSIVE; INCLUSION BODY MYOPATHY 2, AUTOSOMAL RECESSIVE; MYOPATHY, DISTAL, WITH OR WITHOUT RIMMED VACUOLES; IBM 2; Inclusion body myopathy autosomal recessive; NONAKA DISTAL MYOPATHY. Identifiers: Orphanet 602, MedGen C1853926, MONDO:0011603, OMIM 605820.

gnomAD v4.1: 2 of 1,614,082 alleles (0.00012%); highest among the groups gnomAD compares: Non-Finnish European, 0.00017%; no homozygotes.

Submissions (2):

Labcorp Genetics (formerly Invitae), Labcorp
Classification: Pathogenic for Sialuria; GNE myopathy. Last evaluated: 2022-10-03. Review status: criteria provided, single submitter. Criteria: Invitae Variant Classification Sherloc (09022015). Collection method: clinical testing. Allele origin: germline.
Comment: Algorithms developed to predict the effect of sequence changes on RNA splicing suggest that this variant may disrupt the consensus splice site. ClinVar contains an entry for this variant (Variation ID: 489077). This variant has not been reported in the literature in individuals affected with GNE-related conditions. This variant is not present in population databases (gnomAD no frequency). This sequence change creates a premature translational stop signal (p.Tyr621*) in the GNE gene. It is expected to result in an absent or disrupted protein product. Loss-of-function variants in GNE are known to be pathogenic (PMID: 24027297). For these reasons, this variant has been classified as Pathogenic.

GeneDx
Classification: Pathogenic. Last evaluated: 2017-10-31. Review status: criteria provided, single submitter. Criteria: GeneDx Variant Classification (06012015). Collection method: clinical testing. Allele origin: germline. Affected: yes.
Comment: The Y621X variant in the GNE gene has not been reported previously as a pathogenic variant nor as a benign variant, to our knowledge. This variant is predicted to cause loss of normal protein function either through protein truncation or nonsense-mediated mRNA decay. The variant is not observed in large population cohorts (Lek et al., 2016). We interpret Y621X as a pathogenic variant.

Literature cited by the submitters: PubMed 24027297 (cited by Labcorp Genetics (formerly Invitae), Labcorp).